The following is an entry in ClinVar:

ClinVar aggregate classification (germline): Likely benign. Review status: criteria provided, multiple submitters, no conflicts (2 of 4 stars). 3 submissions from 3 submitters: Likely benign (2). 1 of the submissions does not count toward it. Last evaluated 2025-05-05.

Conditions:
CEP164-related disorder. Also called: CEP164-related condition.
Nephronophthisis 15 (NPHP15). Identifiers: Orphanet 3156, MedGen C3541853, MONDO:0013917, OMIM 614845.

Allele frequency attached by ClinVar (database versions not stated): TOPMed 0.00001.
gnomAD v4.1: 2 of 1,613,630 alleles (0.00012%); no homozygotes.

Submissions (3):

Labcorp Genetics (formerly Invitae), Labcorp
Classification: Likely benign for Nephronophthisis 15. Last evaluated: 2025-05-05. Review status: criteria provided, single submitter. Criteria: Invitae Variant Classification Sherloc (09022015). Collection method: clinical testing. Allele origin: germline.

Blueprint Genetics
Classification: Likely benign. Last evaluated: 2024-09-30. Review status: criteria provided, single submitter. Criteria: ACMG Guidelines, 2015. Collection method: clinical testing. Allele origin: germline.

PreventionGenetics, part of Exact Sciences
Classification: Likely benign for CEP164-related condition. Last evaluated: 2019-04-04. Review status: no assertion criteria provided. Collection method: clinical testing. Allele origin: germline. Not counted in ClinVar's aggregate classification.
Comment: This variant is classified as likely benign based on ACMG/AMP sequence variant interpretation guidelines (Richards et al. 2015 PMID: 25741868, with internal and published modifications).

NM_014956.5(CEP164):c.1116T>G (p.Ala372=)

Gene: CEP164 (centrosomal protein 164; plus strand). Cytogenetic location: 11q23.3.
Variant type: single nucleotide variant.
Coding change: c.1116T>G on transcript NM_014956.5 (MANE Select); coding-DNA position 1116, T replaced by G.
Protein change: p.Ala372=; no amino-acid change (alanine 372 retained).
Molecular consequence: synonymous variant.
Genome position (GRCh38, 1-based): chr11:117,371,430, T>G. VCF-style: chr11-117371430-T-G. GRCh37 (hg19) VCF-style: chr11-117242146-T-G.
Other names: c.1116T>G, p.Ala372= (NM_001271933.2); c.1116T>G (NM_014956.4).
Identifiers: ClinVar variation 1151818 (VCV001151818.13), dbSNP rs2042180843, ClinGen allele CA477051466.